The following is an entry in ClinVar:

NM_000260.4(MYO7A):c.2283-1G>A

Gene: MYO7A (myosin VIIA; plus strand). Cytogenetic location: 11q13.5.
Variant type: single nucleotide variant.
Coding change: c.2283-1G>A on transcript NM_000260.4 (MANE Select); the canonical splice acceptor site of the intron before coding-DNA position 2283, G replaced by A.
Molecular consequence: splice acceptor variant.
Genome position (GRCh38, 1-based): chr11:77,179,044, G>A. VCF-style: chr11-77179044-G-A. GRCh37 (hg19) VCF-style: chr11-76890090-G-A.
Other names: c.2250-1G>A (NM_001369365.1); c.2283-1G>A (NM_001127180.2).
Identifiers: ClinVar variation 2735703 (VCV002735703.4), dbSNP rs397516295, ClinGen allele CA381940774.

ClinVar aggregate classification (germline): Pathogenic/Likely pathogenic. Review status: criteria provided, multiple submitters, no conflicts (2 of 4 stars). 2 submissions from 2 submitters: Pathogenic (1); Likely pathogenic (1). Last evaluated 2023-08-28.

Conditions:
MYO7A-related disorder. Also called: MYO7A-related disorders.

Allele frequency attached by ClinVar (database versions not stated): gnomAD 0.00001.
gnomAD v4.1: 3 of 1,602,610 alleles (0.00019%); highest among the groups gnomAD compares: Non-Finnish European, 0.00026%; no homozygotes.

Submissions (2):

Labcorp Genetics (formerly Invitae), Labcorp
Classification: Pathogenic. Last evaluated: 2023-08-28. Review status: criteria provided, single submitter. Criteria: Invitae Variant Classification Sherloc (09022015). Collection method: clinical testing. Allele origin: germline.
Comment: This sequence change affects an acceptor splice site in intron 19 of the MYO7A gene. It is expected to disrupt RNA splicing. Variants that disrupt the donor or acceptor splice site typically lead to a loss of protein function (PMID: 16199547), and loss-of-function variants in MYO7A are known to be pathogenic (PMID: 8900236, 25404053). This variant is not present in population databases (gnomAD no frequency). Disruption of this splice site has been observed in individuals with Usher syndrome (PMID: 16679490, 25404053, 27460420). Algorithms developed to predict the effect of sequence changes on RNA splicing suggest that this variant may disrupt the consensus splice site. For these reasons, this variant has been classified as Pathogenic.

Blueprint Genetics
Classification: Likely pathogenic for MYO7A-related disorders. Last evaluated: 2023-07-03. Review status: criteria provided, single submitter. Criteria: ACMG Guidelines, 2015. Collection method: clinical testing. Allele origin: germline. Affected: yes. Observed: 1 variant allele.

Literature cited by the submitters: PubMed 16199547 (cited by Labcorp Genetics (formerly Invitae), Labcorp); PubMed 8900236 (cited by Labcorp Genetics (formerly Invitae), Labcorp); PubMed 25404053 (cited by Labcorp Genetics (formerly Invitae), Labcorp); PubMed 16679490 (cited by Labcorp Genetics (formerly Invitae), Labcorp); PubMed 27460420 (cited by Labcorp Genetics (formerly Invitae), Labcorp).